The following is an entry in ClinVar:

ClinVar aggregate classification (germline): Uncertain significance (1 of 4 stars; one submission).

Conditions:
Gingival disorder. Also called: Gingival disease. Identifiers: MedGen C0017563, MONDO:0002021.

Allele frequency attached by ClinVar (database versions not stated): ExAC 0.00013; gnomAD 0.00013 and 0.00014; ESP Exome Variant Server 0.00015; TOPMed 0.00017.

Submission:

Labcorp Genetics (formerly Invitae), Labcorp
Classification: Uncertain significance for Gingival disorder. Last evaluated: 2025-12-30. Review status: criteria provided, single submitter. Criteria: Invitae Variant Classification Sherloc (09022015). Collection method: clinical testing. Allele origin: germline.
Comment: This sequence change replaces arginine, which is basic and polar, with histidine, which is basic and polar, at codon 238 of the FPR1 protein (p.Arg238His). This variant is present in population databases (rs368075541, gnomAD 0.02%). This variant has not been reported in the literature in individuals affected with FPR1-related conditions. ClinVar contains an entry for this variant (Variation ID: 844349). An algorithm developed to predict the effect of missense changes on protein structure and function (PolyPhen-2) suggests that this variant is likely to be disruptive. In summary, the available evidence is currently insufficient to determine the role of this variant in disease. Therefore, it has been classified as a Variant of Uncertain Significance.

NM_002029.4(FPR1):c.713G>A (p.Arg238His)

Gene: FPR1 (formyl peptide receptor 1; minus strand). Cytogenetic location: 19q13.41.
Variant type: single nucleotide variant.
Coding change: c.713G>A on transcript NM_002029.4 (MANE Select); coding-DNA position 713, G replaced by A.
Protein change: p.Arg238His; replaces arginine 238 with histidine.
Molecular consequence: missense variant.
Genome position (GRCh38, 1-based): chr19:51,746,282, C>T on the plus strand (G>A on the coding strand, the complement: FPR1 is on the minus strand). VCF-style: chr19-51746282-C-T. GRCh37 (hg19) VCF-style: chr19-52249535-C-T.
Other names: c.713G>A, p.Arg238His (NM_001193306.2); short protein forms R238H.
Identifiers: ClinVar variation 844349 (VCV000844349.11), dbSNP rs368075541, ClinGen allele CA9616399.